The following is an entry in ClinVar:

NM_005982.4(SIX1):c.746C>A (p.Pro249Gln)

Gene: SIX1 (SIX homeobox 1; minus strand). Cytogenetic location: 14q23.1.
Variant type: single nucleotide variant.
Coding change: c.746C>A on transcript NM_005982.4 (MANE Select); coding-DNA position 746, C replaced by A.
Protein change: p.Pro249Gln; replaces proline 249 with glutamine.
Molecular consequence: missense variant.
Genome position (GRCh38, 1-based): chr14:60,646,392, G>T on the plus strand (C>A on the coding strand, the complement: SIX1 is on the minus strand). VCF-style: chr14-60646392-G-T. GRCh37 (hg19) VCF-style: chr14-61113110-G-T.
Other names: short protein forms P249Q.
Identifiers: ClinVar variation 517597 (VCV000517597.19), dbSNP rs368974927, ClinGen allele CA7212718.

ClinVar aggregate classification (germline): Benign/Likely benign. Review status: criteria provided, multiple submitters, no conflicts (2 of 4 stars). 5 submissions from 5 submitters: Benign (1); Likely benign (4). Last evaluated 2026-05-23.

Conditions:
SIX1-related disorder. Also called: SIX1-related condition.
Autosomal dominant nonsyndromic hearing loss 23. Identifiers: Orphanet 90635, MedGen C1854594, MONDO:0011519, OMIM 605192.
Branchiootic syndrome 3 (BOS3). Also called: BO SYNDROME 3. Identifiers: MedGen C1842124, MONDO:0012025, OMIM 608389.

Allele frequency attached by ClinVar (database versions not stated): TOPMed 0.00005; 1000 Genomes Project 30x 0.00031; 1000 Genomes Project 0.00040.
gnomAD v4.1: 65 of 1,614,016 alleles (0.004%); highest among the groups gnomAD compares: East Asian, 0.056%; no homozygotes.

Submissions (5):

PreventionGenetics, part of Exact Sciences
Classification: Likely benign for SIX1-related condition. Last evaluated: 2026-05-23. Review status: criteria provided, single submitter. Criteria: ACMG Guidelines, 2015. Collection method: clinical testing. Allele origin: germline.
Comment: This variant is classified as likely benign based on ACMG/AMP sequence variant interpretation guidelines (Richards et al. 2015 PMID: 25741868, with internal and published modifications).

Labcorp Genetics (formerly Invitae), Labcorp
Classification: Likely benign for Autosomal dominant nonsyndromic hearing loss 23; Branchiootic syndrome 3. Last evaluated: 2025-11-19. Review status: criteria provided, single submitter. Criteria: Invitae Variant Classification Sherloc (09022015). Collection method: clinical testing. Allele origin: germline.

Blueprint Genetics
Classification: Likely benign. Last evaluated: 2024-10-28. Review status: criteria provided, single submitter. Criteria: ACMG Guidelines, 2015. Collection method: clinical testing. Allele origin: germline.

GeneDx
Classification: Likely benign. Last evaluated: 2019-12-06. Review status: criteria provided, single submitter. Criteria: GeneDx Variant Classification Process June 2021. Collection method: clinical testing. Allele origin: germline. Affected: yes.

Laboratory for Molecular Medicine, Mass General Brigham Personalized Medicine
Classification: Benign. Last evaluated: 2019-03-01. Review status: criteria provided, single submitter. Criteria: LMM Criteria. Collection method: clinical testing. Allele origin: germline. Observed: 2 variant alleles.
Comment: The p.Pro249Gln variant in SIX1 is classified as benign because it has been identified in 0.13% (25/18394) of East Asian chromosomes by gnomAD.